The following is an entry in ClinVar:

NM_000035.4(ALDOB):c.*189C>T

Gene: ALDOB (aldolase, fructose-bisphosphate B; minus strand). Cytogenetic location: 9q31.1.
Variant type: single nucleotide variant.
Coding change: c.*189C>T on transcript NM_000035.4 (MANE Select); 189 bases downstream of the stop codon, C replaced by T.
Molecular consequence: 3 prime UTR variant.
Genome position (GRCh38, 1-based): chr9:101,421,620, G>A on the plus strand (C>T on the coding strand, the complement: ALDOB is on the minus strand). VCF-style: chr9-101421620-G-A. GRCh37 (hg19) VCF-style: chr9-104183902-G-A.
Identifiers: ClinVar variation 913564 (VCV000913564.4), dbSNP rs185986022, ClinGen allele CA196955698.
Genomic context (GRCh38, chr9:101,421,620, plus strand): 5'-ATTCTGGAGCATGGGGAGCTGAAAGTGTTGCAAGGAAACTGCTGTGTGAAATTTGATCAG[G>A]TCCTTGGTATTCATTTTTATGTTTCAATAACTGATTTATTTTTTCCCCCTTGTACTTAAG-3'

ClinVar aggregate classification (germline): Benign (1 of 4 stars; one submission).

Conditions:
Hereditary fructosuria. Also called: ALDOB DEFICIENCY; ALDOLASE B DEFICIENCY; FRUCTOSE-1,6-BISPHOSPHATE ALDOLASE B DEFICIENCY; FRUCTOSE-1-PHOSPHATE ALDOLASE DEFICIENCY; FRUCTOSEMIA; Hereditary fructose intolerance. Identifiers: Orphanet 469, MedGen C0016751, MONDO:0009249, OMIM 229600, HP:0005973. Disease mechanism: loss of function.

Allele frequency attached by ClinVar (database versions not stated): gnomAD exomes 0.00029; gnomAD 0.00273 and 0.00287; TOPMed 0.00302; 1000 Genomes Project 0.00539; 1000 Genomes Project 30x 0.00625.
gnomAD v4.1: 567 of 671,926 alleles (0.084%); highest among the groups gnomAD compares: African/African-American, 0.86%; 4 homozygotes.

Submission:

Illumina Laboratory Services, Illumina
Classification: Benign for Hereditary fructosuria. Last evaluated: 2018-01-13. Review status: criteria provided, single submitter. Criteria: ICSL Variant Classification Criteria 13 December 2019. Collection method: clinical testing. Allele origin: germline.
Comment: This variant was observed in the ICSL laboratory as part of a predisposition screen in an ostensibly healthy population. It had not been previously curated by ICSL or reported in the Human Gene Mutation Database (HGMD: prior to June 1st, 2018), and was therefore a candidate for classification through an automated scoring system. Utilizing variant allele frequency, disease prevalence and penetrance estimates, and inheritance mode, an automated score was calculated to assess if this variant is too frequent to cause the disease. Based on the score and internal cut-off values, a variant classified as benign is not then subjected to further curation. The score for this variant resulted in a classification of benign for this disease.